The following is an entry in ClinVar:

NM_001378454.1(ALMS1):c.4843T>G (p.Leu1615Val)

Gene: ALMS1 (ALMS1 centrosome and basal body associated protein; plus strand). Cytogenetic location: 2p13.1.
Variant type: single nucleotide variant.
Coding change: c.4843T>G on transcript NM_001378454.1 (MANE Select); coding-DNA position 4843, T replaced by G.
Protein change: p.Leu1615Val; replaces leucine 1615 with valine.
Molecular consequence: missense variant.
Genome position (GRCh38, 1-based): chr2:73,451,370, T>G. VCF-style: chr2-73451370-T-G. GRCh37 (hg19) VCF-style: chr2-73678497-T-G.
Other names: c.4846T>G, p.Leu1616Val (NM_015120.4); short protein forms L1616V, L1615V.
Identifiers: ClinVar variation 596324 (VCV000596324.7), dbSNP rs375736124, ClinGen allele CA1713775.

ClinVar aggregate classification (germline): Conflicting classifications of pathogenicity. Review status: criteria provided, conflicting classifications (1 of 4 stars). 3 submissions from 3 submitters: Uncertain significance (2); Likely benign (1). Last evaluated 2023-11-03.

Conditions:
Alstrom syndrome (ALMS). Identifiers: Orphanet 64, MedGen C0268425, MONDO:0008763, OMIM 203800.
Cardiovascular phenotype. Identifiers: MedGen CN230736.

Allele frequency attached by ClinVar (database versions not stated): TOPMed 0.00002.
gnomAD v4.1: 1 of 1,613,818 alleles (0.000062%); highest among the groups gnomAD compares: African/African-American, 0.0013%; no homozygotes.

Submissions (3):

Ambry Genetics
Classification: Likely benign for Cardiovascular phenotype. Last evaluated: 2023-11-03. Review status: criteria provided, single submitter. Criteria: Ambry Variant Classification Scheme 2023. Collection method: clinical testing. Allele origin: germline.

Labcorp Genetics (formerly Invitae), Labcorp
Classification: Uncertain significance for Alstrom syndrome. Last evaluated: 2021-12-24. Review status: criteria provided, single submitter. Criteria: Invitae Variant Classification Sherloc (09022015). Collection method: clinical testing. Allele origin: germline.
Comment: This sequence change replaces leucine, which is neutral and non-polar, with valine, which is neutral and non-polar, at codon 1616 of the ALMS1 protein (p.Leu1616Val). This variant is present in population databases (rs375736124, gnomAD 0.007%). This variant has not been reported in the literature in individuals affected with ALMS1-related conditions. ClinVar contains an entry for this variant (Variation ID: 596324). Experimental studies and prediction algorithms are not available or were not evaluated, and the functional significance of this variant is currently unknown. In summary, the available evidence is currently insufficient to determine the role of this variant in disease. Therefore, it has been classified as a Variant of Uncertain Significance.

Eurofins Ntd Llc (ga)
Classification: Uncertain significance. Last evaluated: 2018-03-20. Review status: criteria provided, single submitter. Criteria: EGL ClinVar v180209 classification definitions. Collection method: clinical testing. Allele origin: germline. Observed: 1 variant allele, 1 heterozygote.